The following is an entry in ClinVar:

ClinVar aggregate classification (germline): Likely benign. Review status: criteria provided, multiple submitters, no conflicts (2 of 4 stars). 2 submissions from 2 submitters: Likely benign (2). Last evaluated 2024-04-11.

Conditions:
Charcot-Marie-Tooth disease type 4. Also called: Charcot-Marie-Tooth disease, type IV; Charcot-Marie-Tooth, Type 4. Identifiers: Orphanet 64749, MedGen C4082197, MONDO:0018995.

Allele frequency attached by ClinVar (database versions not stated): gnomAD exomes below 0.00001.
gnomAD v4.1: 2 of 1,610,324 alleles (0.00012%); highest among the groups gnomAD compares: Non-Finnish European, 0.00017%; no homozygotes.

Submissions (2):

Labcorp Genetics (formerly Invitae), Labcorp
Classification: Likely benign for Charcot-Marie-Tooth disease type 4. Last evaluated: 2024-04-11. Review status: criteria provided, single submitter. Criteria: Invitae Variant Classification Sherloc (09022015). Collection method: clinical testing. Allele origin: germline.

CeGaT Center for Human Genetics Tuebingen
Classification: Likely benign. Last evaluated: 2022-05-01. Review status: criteria provided, single submitter. Criteria: CeGaT Center For Human Genetics Tuebingen Variant Classification Criteria Version 2. Collection method: clinical testing. Allele origin: germline. Affected: yes. Observed: 1 variant allele.
Comment: SBF2: PM2:Supporting, BP4, BP7

NM_030962.4(SBF2):c.525T>C (p.Ser175=)

Gene: SBF2 (SET binding factor 2; minus strand). Cytogenetic location: 11p15.4.
Variant type: single nucleotide variant.
Coding change: c.525T>C on transcript NM_030962.4 (MANE Select); coding-DNA position 525, T replaced by C.
Protein change: p.Ser175=; no amino-acid change (serine 175 retained).
Molecular consequence: synonymous variant.
Genome position (GRCh38, 1-based): chr11:10,028,546, A>G on the plus strand (T>C on the coding strand, the complement: SBF2 is on the minus strand). VCF-style: chr11-10028546-A-G. GRCh37 (hg19) VCF-style: chr11-10050093-A-G.
Other names: c.525T>C, p.Ser175= (NM_001386339.1, NM_001386342.1).
Identifiers: ClinVar variation 1694631 (VCV001694631.36), dbSNP rs2134627335, ClinGen allele CA473081490.